The following is an entry in ClinVar:

NM_001009944.3(PKD1):c.2098-2A>G

Gene: PKD1 (polycystin 1, transient receptor potential channel interacting; minus strand). Cytogenetic location: 16p13.3.
Variant type: single nucleotide variant.
Coding change: c.2098-2A>G on transcript NM_001009944.3 (MANE Select); the canonical splice acceptor site of the intron before coding-DNA position 2098, A replaced by G.
Molecular consequence: splice acceptor variant.
Genome position (GRCh38, 1-based): chr16:2,114,927, T>C on the plus strand (A>G on the coding strand, the complement: PKD1 is on the minus strand). VCF-style: chr16-2114927-T-C. GRCh37 (hg19) VCF-style: chr16-2164928-T-C.
Other names: c.2098-2A>G (NM_001009944.2, NM_000296.4).
Identifiers: ClinVar variation 4927960 (VCV004927960.2).

ClinVar aggregate classification (germline): Pathogenic/Likely pathogenic. Review status: criteria provided, multiple submitters, no conflicts (2 of 4 stars). 2 submissions from 2 submitters: Pathogenic (1); Likely pathogenic (1). Last evaluated 2026-06-24.

Conditions:
PKD1-related disorder. Also called: PKD1-related condition.

Submissions (2):

PreventionGenetics, part of Exact Sciences
Classification: Likely pathogenic for PKD1-related condition. Last evaluated: 2026-06-24. Review status: criteria provided, single submitter. Criteria: ACMG Guidelines, 2015. Collection method: clinical testing. Allele origin: germline.
Comment: The PKD1 c.2098-2A>G variant is predicted to disrupt the AG splice acceptor site and interfere with normal splicing. To our knowledge, this variant has not been reported in the literature or in a large population database (gnomAD), indicating this variant is rare. Variants that disrupt the consensus splice acceptor site in PKD1 are expected to be pathogenic. Of note, a different canonical splice variant at the same splice acceptor site, defined as c.2098-1G>C, has been reported to be causative for autosomal dominant polycystic kidney disease (ADPKD) (Table S7, Groopman et al. 2019. PubMed ID: 30586318). The c.2098-2A>G variant is interpreted as likely pathogenic.

Blueprint Genetics
Classification: Pathogenic for PKD1-related disorders. Last evaluated: 2020-07-17. Review status: criteria provided, single submitter. Criteria: ACMG Guidelines, 2015. Collection method: clinical testing. Allele origin: germline. Affected: yes. Observed: 1 variant allele.